The following is an entry in ClinVar:

ClinVar aggregate classification (germline): Conflicting classifications of pathogenicity. Review status: criteria provided, conflicting classifications (1 of 4 stars). 5 submissions from 5 submitters: Likely pathogenic (4); Uncertain significance (1). Last evaluated 2025-06-11.

Conditions:
Ellis-van Creveld syndrome (EVC). Also called: MESOECTODERMAL DYSPLASIA; Chondroectodermal dysplasia. Identifiers: Orphanet 289, MedGen C0013903, MONDO:0009162, OMIM 225500.
Curry-Hall syndrome (WAD). Also called: WEYERS ACRODENTAL DYSOSTOSIS. Identifiers: Orphanet 952, MedGen C0457013, MONDO:0008673, OMIM 193530.

Allele frequency attached by ClinVar (database versions not stated): gnomAD 0.00001; TOPMed 0.00001.
gnomAD v4.1: 7 of 1,613,994 alleles (0.00043%); highest among the groups gnomAD compares: African/African-American, 0.0027%; no homozygotes.

Submissions (5):

3billion
Classification: Likely pathogenic for Ellis-van Creveld syndrome. Last evaluated: 2025-06-11. Review status: criteria provided, single submitter. Criteria: ACMG Guidelines, 2015. Collection method: clinical testing. Allele origin: germline. Affected: yes.
Comment: The variant is observed at an extremely low frequency in the gnomAD v4.1.0 dataset (total allele frequency: <0.001%). Predicted Consequence/Location: Intron variant In silico tools predict the variant to alter splicing and produce an abnormal transcript [SpliceAI: 0.89 (>=0.2, moderate evidence for spliceogenicity)]. The variant has been reported at least twice as pathogenic with clinical assertions and evidence for the classification (ClinVar ID: VCV000558765 /PMID: 33875766). Therefore, this variant is classified as Likely pathogenic according to the recommendation of ACMG/AMP guideline.

Fulgent Genetics
Classification: Likely pathogenic for Curry-Hall syndrome; Ellis-van Creveld syndrome. Last evaluated: 2024-03-14. Review status: criteria provided, single submitter. Criteria: ACMG Guidelines, 2015. Collection method: clinical testing. Allele origin: germline.

Labcorp Genetics (formerly Invitae), Labcorp
Classification: Likely pathogenic for Curry-Hall syndrome; Ellis-van Creveld syndrome. Last evaluated: 2023-10-08. Review status: criteria provided, single submitter. Criteria: Invitae Variant Classification Sherloc (09022015). Collection method: clinical testing. Allele origin: germline.
Comment: This sequence change falls in intron 1 of the EVC gene. It does not directly change the encoded amino acid sequence of the EVC protein. This variant is present in population databases (rs753317536, gnomAD 0.007%). This variant has been observed in individual(s) with Ellis-van Creveld syndrome (PMID: 33875766). In at least one individual the data is consistent with being in trans (on the opposite chromosome) from a pathogenic variant. ClinVar contains an entry for this variant (Variation ID: 558765). Studies have shown that this variant is associated with altered splicing resulting in multiple RNA products (PMID: 33875766). In summary, the currently available evidence indicates that the variant is pathogenic, but additional data are needed to prove that conclusively. Therefore, this variant has been classified as Likely Pathogenic.

CeGaT Center for Human Genetics Tuebingen
Classification: Uncertain significance. Last evaluated: 2019-01-01. Review status: criteria provided, single submitter. Criteria: CeGaT Center For Human Genetics Tuebingen Variant Classification Criteria Version 2. Collection method: clinical testing. Allele origin: germline. Affected: yes. Observed: 1 variant allele.

Rare Disease Group, Clinical Genetics, Karolinska Institutet
Classification: Likely pathogenic for Ellis-van Creveld syndrome. Last evaluated: 2018-05-01. Review status: criteria provided, single submitter. Criteria: ACMG Guidelines, 2015. Collection method: research. Allele origin: maternal. Inheritance: Autosomal recessive inheritance. Affected: yes.

Literature cited by the submitters: PubMed 33875766 (cited by 3billion and Labcorp Genetics (formerly Invitae), Labcorp).

NM_153717.3(EVC):c.175-9G>A

Gene: EVC (EvC ciliary complex subunit 1; plus strand). Cytogenetic location: 4p16.2.
Variant type: single nucleotide variant.
Coding change: c.175-9G>A on transcript NM_153717.3 (MANE Select); 9 bases into the intron before coding-DNA position 175, G replaced by A.
Molecular consequence: intron variant.
Genome position (GRCh38, 1-based): chr4:5,719,239, G>A. VCF-style: chr4-5719239-G-A. GRCh37 (hg19) VCF-style: chr4-5720966-G-A.
Other names: c.175-9G>A (NM_001306090.2, NM_001306092.2).
Identifiers: ClinVar variation 558765 (VCV000558765.39), dbSNP rs753317536, ClinGen allele CA2835583.